The following is an entry in ClinVar:

ClinVar aggregate classification (germline): Uncertain significance (1 of 4 stars; one submission).

Submission:

Labcorp Genetics (formerly Invitae), Labcorp
Classification: Uncertain significance. Last evaluated: 2021-12-02. Review status: criteria provided, single submitter. Criteria: Invitae Variant Classification Sherloc (09022015). Collection method: clinical testing. Allele origin: germline.
Comment: In summary, the available evidence is currently insufficient to determine the role of this variant in disease. Therefore, it has been classified as a Variant of Uncertain Significance. Experimental studies and prediction algorithms are not available or were not evaluated, and the functional significance of this variant is currently unknown. This variant has not been reported in the literature in individuals affected with AAAS-related conditions. This variant results in a copy number gain of the genomic region encompassing exon(s) 1-7 of the AAAS gene. This region includes the initiator codon of the gene. This copy number gain extends beyond the assayed region for this gene and therefore may encompass additional genes. As the precise location of this event is unknown, it may be in tandem or it may be located elsewhere in the genome.

NC_000012.11:g.(?_53708062)_(53729430_?)dup

Genes: AAAS (aladin WD repeat nucleoporin; minus strand), SP7 (Sp7 transcription factor; minus strand). Cytogenetic location: 12q13.13.
Variant type: Duplication.
Identifiers: ClinVar variation 1375847 (VCV001375847.5).